The following is an entry in ClinVar:

ClinVar aggregate classification (germline): Uncertain significance (1 of 4 stars; one submission).

Allele frequency attached by ClinVar (database versions not stated): gnomAD exomes below 0.00001.
gnomAD v4.1: 2 of 1,609,806 alleles (0.00012%); highest among the groups gnomAD compares: Non-Finnish European, 0.000085%; no homozygotes.

Submission:

Labcorp Genetics (formerly Invitae), Labcorp
Classification: Uncertain significance. Last evaluated: 2022-02-19. Review status: criteria provided, single submitter. Criteria: Invitae Variant Classification Sherloc (09022015). Collection method: clinical testing. Allele origin: germline.
Comment: In summary, the available evidence is currently insufficient to determine the role of this variant in disease. Therefore, it has been classified as a Variant of Uncertain Significance. Variants that disrupt the consensus splice site are a relatively common cause of aberrant splicing (PMID: 17576681, 9536098). Algorithms developed to predict the effect of sequence changes on RNA splicing suggest that this variant may disrupt the consensus splice site. This variant has not been reported in the literature in individuals affected with IFNAR2-related conditions. This variant is not present in population databases (gnomAD no frequency). This sequence change falls in intron 7 of the IFNAR2 gene. It does not directly change the encoded amino acid sequence of the IFNAR2 protein. It affects a nucleotide within the consensus splice site.

Literature cited by the submitters: PubMed 17576681; PubMed 9536098.

NM_001289125.3(IFNAR2):c.709+5G>C

Genes: IFNAR2 (interferon alpha and beta receptor subunit 2; plus strand), IFNAR2-IL10RB (IFNAR2-IL10RB readthrough; plus strand). Cytogenetic location: 21q22.11.
Variant type: single nucleotide variant.
Coding change: c.709+5G>C on transcript NM_001289125.3 (MANE Select); 5 bases into the intron after coding-DNA position 709, G replaced by C.
Molecular consequence: intron variant.
Genome position (GRCh38, 1-based): chr21:33,252,835, G>C. VCF-style: chr21-33252835-G-C. GRCh37 (hg19) VCF-style: chr21-34625140-G-C.
Other names: c.709+5G>C (NM_000874.5, NM_001289128.2, NM_207584.3 and 4 more transcripts).
Identifiers: ClinVar variation 1994009 (VCV001994009.4), dbSNP rs2516732033, ClinGen allele CA2580098797.